The following is an entry in ClinVar:

NM_170601.5(SIAE):c.1535A>T (p.Asp512Val)

Gene: SIAE (sialic acid acetylesterase; minus strand). Cytogenetic location: 11q24.2.
Variant type: single nucleotide variant.
Coding change: c.1535A>T on transcript NM_170601.5 (MANE Select); coding-DNA position 1535, A replaced by T.
Protein change: p.Asp512Val; replaces aspartic acid 512 with valine.
Molecular consequence: missense variant.
Genome position (GRCh38, 1-based): chr11:124,636,988, T>A on the plus strand (A>T on the coding strand, the complement: SIAE is on the minus strand). VCF-style: chr11-124636988-T-A. GRCh37 (hg19) VCF-style: chr11-124506884-T-A.
Other names: c.1430A>T, p.Asp477Val (NM_001199922.2); short protein forms D477V, D512V.
Identifiers: ClinVar variation 1432010 (VCV001432010.8), dbSNP rs1942754853, ClinGen allele CA383141076.

ClinVar aggregate classification (germline): Uncertain significance (1 of 4 stars; one submission).

Allele frequency attached by ClinVar (database versions not stated): gnomAD exomes below 0.00001.
gnomAD v4.1: 2 of 1,614,142 alleles (0.00012%); highest among the groups gnomAD compares: Non-Finnish European, 0.00017%; no homozygotes.

Submission:

Labcorp Genetics (formerly Invitae), Labcorp
Classification: Uncertain significance. Last evaluated: 2021-02-17. Review status: criteria provided, single submitter. Criteria: Invitae Variant Classification Sherloc (09022015). Collection method: clinical testing. Allele origin: germline.
Comment: In summary, the available evidence is currently insufficient to determine the role of this variant in disease. Therefore, it has been classified as a Variant of Uncertain Significance. Algorithms developed to predict the effect of missense changes on protein structure and function are either unavailable or do not agree on the potential impact of this missense change (SIFT: "Deleterious"; PolyPhen-2: "Benign"; Align-GVGD: "Class C0"). This variant has not been reported in the literature in individuals with SIAE-related conditions. This variant is not present in population databases (ExAC no frequency). This sequence change replaces aspartic acid with valine at codon 512 of the SIAE protein (p.Asp512Val). The aspartic acid residue is weakly conserved and there is a large physicochemical difference between aspartic acid and valine.